The following is an entry in ClinVar:

NM_006950.3(SYN1):c.1609G>A (p.Ala537Thr)

Gene: SYN1 (synapsin I; minus strand). Cytogenetic location: Xp11.3.
Variant type: single nucleotide variant.
Coding change: c.1609G>A on transcript NM_006950.3 (MANE Select); coding-DNA position 1609, G replaced by A.
Protein change: p.Ala537Thr; replaces alanine 537 with threonine.
Molecular consequence: missense variant.
Genome position (GRCh38, 1-based): chrX:47,574,375, C>T on the plus strand (G>A on the coding strand, the complement: SYN1 is on the minus strand). VCF-style: chrX-47574375-C-T. GRCh37 (hg19) VCF-style: chrX-47433774-C-T.
Other names: c.1609G>A, p.Ala537Thr (NM_133499.2); short protein forms A537T.
Identifiers: ClinVar variation 1502336 (VCV001502336.8), dbSNP rs1603050507, ClinGen allele CA412823124.

ClinVar aggregate classification (germline): Uncertain significance (1 of 4 stars; one submission).

Conditions:
Epilepsy, X-linked 1, with variable learning disabilities and behavior disorders. Also called: X-linked epilepsy-learning disabilities-behavior disorders syndrome. Identifiers: Orphanet 85294, MedGen C5774177, MONDO:0010339, OMIM 300491.

Submission:

Labcorp Genetics (formerly Invitae), Labcorp
Classification: Uncertain significance for Epilepsy, X-linked 1, with variable learning disabilities and behavior disorders. Last evaluated: 2024-02-24. Review status: criteria provided, single submitter. Criteria: Invitae Variant Classification Sherloc (09022015). Collection method: clinical testing. Allele origin: germline.
Comment: This sequence change replaces alanine, which is neutral and non-polar, with threonine, which is neutral and polar, at codon 537 of the SYN1 protein (p.Ala537Thr). The frequency data for this variant in the population databases is considered unreliable, as metrics indicate insufficient coverage at this position in the gnomAD database. This variant has not been reported in the literature in individuals affected with SYN1-related conditions. ClinVar contains an entry for this variant (Variation ID: 1502336). Experimental studies and prediction algorithms are not available or were not evaluated, and the functional significance of this variant is currently unknown. In summary, the available evidence is currently insufficient to determine the role of this variant in disease. Therefore, it has been classified as a Variant of Uncertain Significance.